The following is an entry in ClinVar:

NM_000038.6(APC):c.1788A>G (p.Ser596=)

Gene: APC (APC regulator of Wnt signaling pathway; plus strand). Cytogenetic location: 5q22.2.
Variant type: single nucleotide variant.
Coding change: c.1788A>G on transcript NM_000038.6 (MANE Select); coding-DNA position 1788, A replaced by G.
Protein change: p.Ser596=; no amino-acid change (serine 596 retained).
Molecular consequence: synonymous variant. On other transcripts: non-coding transcript variant (2).
Genome position (GRCh38, 1-based): chr5:112,834,995, A>G. VCF-style: chr5-112834995-A-G. GRCh37 (hg19) VCF-style: chr5-112170692-A-G.
Other names: c.1788A>G, p.Ser596= (NM_001127510.3, NM_001354895.2, NM_001407450.1); c.1734A>G, p.Ser578= (NM_001127511.3); c.1842A>G, p.Ser614= (NM_001354896.2, NM_001407447.1, NM_001407448.1 and 1 more transcripts); c.1818A>G, p.Ser606= (NM_001354897.2); c.1713A>G, p.Ser571= (NM_001354898.2); c.1704A>G, p.Ser568= (NM_001354899.2); c.1665A>G, p.Ser555= (NM_001354900.2); c.1611A>G, p.Ser537= (NM_001354901.2, NM_001407453.1); and 11 more.
Identifiers: ClinVar variation 3148099 (VCV003148099.1), dbSNP rs2149841451, ClinGen allele CA445758836.

ClinVar aggregate classification (germline): Benign (1 of 4 stars; one submission).

Conditions:
Familial adenomatous polyposis 1 (FAP1). Also called: POLYPOSIS, ADENOMATOUS INTESTINAL; FAMILIAL ADENOMATOUS POLYPOSIS 1, ATTENUATED. Identifiers: MedGen C2713442, MONDO:0021056, OMIM 175100. Disease mechanism: loss of function.

Submission:

Myriad Genetics, Inc.
Classification: Benign for Familial adenomatous polyposis 1. Last evaluated: 2024-03-07. Review status: criteria provided, single submitter. Criteria: Myriad Autosomal Dominant, Autosomal Recessive and X-Linked Classification Criteria (2023). Collection method: clinical testing. Allele origin: unknown.
Comment: This variant is considered benign. This variant is a silent/synonymous amino acid change and it is not expected to impact splicing.